The following is an entry in ClinVar:

ClinVar aggregate classification (germline): Likely benign (0 of 4 stars; one submission).

Conditions:
DLG1-related disorder. Also called: DLG1-related condition.

Allele frequency attached by ClinVar (database versions not stated): gnomAD exomes 0.00006; ExAC 0.00007; gnomAD 0.00012; TOPMed 0.00014; ESP Exome Variant Server 0.00015; 1000 Genomes Project 0.00060; 1000 Genomes Project 30x 0.00062.
gnomAD v4.1: 107 of 1,612,602 alleles (0.0066%); highest among the groups gnomAD compares: Middle Eastern, 0.083%; no homozygotes.

Submission:

PreventionGenetics, part of Exact Sciences
Classification: Likely benign for DLG1-related condition. Last evaluated: 2019-03-08. Review status: no assertion criteria provided. Collection method: clinical testing. Allele origin: germline.
Comment: This variant is classified as likely benign based on ACMG/AMP sequence variant interpretation guidelines (Richards et al. 2015 PMID: 25741868, with internal and published modifications).

NM_001366207.1(DLG1):c.906A>C (p.Gly302=)

Gene: DLG1 (discs large MAGUK scaffold protein 1; minus strand). Cytogenetic location: 3q29.
Variant type: single nucleotide variant.
Coding change: c.906A>C on transcript NM_001366207.1 (MANE Select); coding-DNA position 906, A replaced by C.
Protein change: p.Gly302=; no amino-acid change (glycine 302 retained).
Molecular consequence: synonymous variant. On other transcripts: non-coding transcript variant (4).
Genome position (GRCh38, 1-based): chr3:197,136,656, T>G on the plus strand (A>C on the coding strand, the complement: DLG1 is on the minus strand). VCF-style: chr3-197136656-T-G. GRCh37 (hg19) VCF-style: chr3-196863527-T-G.
Other names: c.906A>C, p.Gly302= (NM_001366209.1, NM_001366210.1, NM_001366211.1 and 9 more transcripts); c.1005A>C, p.Gly335= (NM_001366214.1, NM_001366218.1, NM_004087.2 and 2 more transcripts); c.852A>C, p.Gly284= (NM_001366216.1, NM_001366219.1, NM_001366220.1 and 2 more transcripts); c.756A>C, p.Gly252= (NM_001366221.1, NM_001366222.1); c.657A>C, p.Gly219= (NM_001204387.2, NM_001204388.2).
Identifiers: ClinVar variation 3040805 (VCV003040805.2), dbSNP rs146460812, ClinGen allele CA2785615.